The following is an entry in ClinVar:

ClinVar aggregate classification (germline): Uncertain significance (1 of 4 stars; one submission).

Conditions:
Hyperekplexia 3 (HKPX3). Also called: HYPEREKPLEXIA 3, AUTOSOMAL RECESSIVE; HYPEREKPLEXIA 3, AUTOSOMAL DOMINANT. Identifiers: Orphanet 3197, MedGen C3553288, MONDO:0013827, OMIM 614618.

Allele frequency attached by ClinVar (database versions not stated): gnomAD exomes below 0.00001 and 0.00001; gnomAD 0.00001.
gnomAD v4.1: 9 of 1,593,568 alleles (0.00056%); highest among the groups gnomAD compares: East Asian, 0.011%; no homozygotes.

Submission:

Labcorp Genetics (formerly Invitae), Labcorp
Classification: Uncertain significance for Hyperekplexia 3. Last evaluated: 2021-06-18. Review status: criteria provided, single submitter. Criteria: Invitae Variant Classification Sherloc (09022015). Collection method: clinical testing. Allele origin: germline.
Comment: In summary, the available evidence is currently insufficient to determine the role of this variant in disease. Therefore, it has been classified as a Variant of Uncertain Significance. Advanced modeling of protein sequence and biophysical properties (such as structural, functional, and spatial information, amino acid conservation, physicochemical variation, residue mobility, and thermodynamic stability) performed at Invitae indicates that this missense variant is not expected to disrupt SLC6A5 protein function. This variant has not been reported in the literature in individuals with SLC6A5-related conditions. This variant is not present in population databases (ExAC no frequency). This sequence change replaces aspartic acid with glutamic acid at codon 66 of the SLC6A5 protein (p.Asp66Glu). The aspartic acid residue is moderately conserved and there is a small physicochemical difference between aspartic acid and glutamic acid.

NM_004211.5(SLC6A5):c.198C>A (p.Asp66Glu)

Gene: SLC6A5 (solute carrier family 6 member 5; plus strand). Cytogenetic location: 11p15.1.
Variant type: single nucleotide variant.
Coding change: c.198C>A on transcript NM_004211.5 (MANE Select); coding-DNA position 198, C replaced by A.
Protein change: p.Asp66Glu; replaces aspartic acid 66 with glutamic acid.
Molecular consequence: missense variant. On other transcripts: 5 prime UTR variant (1).
Genome position (GRCh38, 1-based): chr11:20,601,323, C>A. VCF-style: chr11-20601323-C-A. GRCh37 (hg19) VCF-style: chr11-20622869-C-A.
Other names: c.-366C>A (NM_001318369.2); short protein forms D66E.
Identifiers: ClinVar variation 1400678 (VCV001400678.7), dbSNP rs1454104001, ClinGen allele CA379911347.